The following is an entry in ClinVar:

NM_001267550.2(TTN):c.101594C>A (p.Ser33865Tyr)

Genes: TTN (titin; minus strand), TTN-AS1 (TTN antisense RNA 1; plus strand). Cytogenetic location: 2q31.2.
Variant type: single nucleotide variant.
Coding change: c.101594C>A on transcript NM_001267550.2 (MANE Select); coding-DNA position 101594, C replaced by A.
Protein change: p.Ser33865Tyr; replaces serine 33865 with tyrosine.
Molecular consequence: missense variant.
Genome position (GRCh38, 1-based): chr2:178,535,021, G>T on the plus strand (C>A on the coding strand, the complement: TTN is on the minus strand). VCF-style: chr2-178535021-G-T. GRCh37 (hg19) VCF-style: chr2-179399748-G-T.
Other names: c.96671C>A, p.Ser32224Tyr (NM_001256850.1); c.74399C>A, p.Ser24800Tyr (NM_003319.4); c.93890C>A, p.Ser31297Tyr (NM_133378.4); c.74774C>A, p.Ser24925Tyr (NM_133432.3); c.74975C>A, p.Ser24992Tyr (NM_133437.4); short protein forms S33865Y, S24800Y, S24925Y, S24992Y, S31297Y, S32224Y.
Identifiers: ClinVar variation 4784215 (VCV004784215.1).

ClinVar aggregate classification (germline): Uncertain significance (1 of 4 stars; one submission).

Conditions:
Dilated cardiomyopathy 1G (CMD1G). Identifiers: Orphanet 154, MedGen C1858763, MONDO:0011400, OMIM 604145.
Autosomal recessive limb-girdle muscular dystrophy type 2J (LGMDR10). Also called: Limb-girdle muscular dystrophy, type 2J; MUSCULAR DYSTROPHY, LIMB-GIRDLE, AUTOSOMAL RECESSIVE 10. Identifiers: Orphanet 140922, MedGen C1837342, MONDO:0012127, OMIM 608807.

Submission:

Labcorp Genetics (formerly Invitae), Labcorp
Classification: Uncertain significance for Dilated cardiomyopathy 1G; Autosomal recessive limb-girdle muscular dystrophy type 2J. Last evaluated: 2025-02-28. Review status: criteria provided, single submitter. Criteria: Invitae Variant Classification Sherloc (09022015). Collection method: clinical testing. Allele origin: germline.
Comment: This sequence change replaces serine, which is neutral and polar, with tyrosine, which is neutral and polar, at codon 33865 of the TTN protein (p.Ser33865Tyr). This variant is not present in population databases (gnomAD no frequency). This variant has not been reported in the literature in individuals affected with TTN-related conditions. Experimental studies and prediction algorithms are not available or were not evaluated, and the functional significance of this variant is currently unknown. This variant is located in the M band of TTN (PMID: 25589632). Non-truncating variants in this region may be relevant for neuromuscular disorders, but have not been definitively shown to cause cardiomyopathy (PMID: 23975875). In summary, the available evidence is currently insufficient to determine the role of this variant in disease. Therefore, it has been classified as a Variant of Uncertain Significance.

Literature cited by the submitters: PubMed 25589632; PubMed 23975875.